The following is an entry in ClinVar:

ClinVar aggregate classification (germline): Pathogenic/Likely pathogenic. Review status: criteria provided, multiple submitters, no conflicts (2 of 4 stars). 2 submissions from 2 submitters: Pathogenic (1); Likely pathogenic (1). Last evaluated 2026-01-19.

Conditions:
Deficiency of alpha-mannosidase (MANSA). Also called: Mannosidosis, alpha-, types I and II; LYSOSOMAL ALPHA-D-MANNOSIDASE DEFICIENCY; Alpha-Mannosidosis. Identifiers: Orphanet 61, MedGen C0024748, MONDO:0009561, OMIM 248500.

Submissions (2):

Labcorp Genetics (formerly Invitae), Labcorp
Classification: Pathogenic for Deficiency of alpha-mannosidase. Last evaluated: 2026-01-19. Review status: criteria provided, single submitter. Criteria: Invitae Variant Classification Sherloc (09022015). Collection method: clinical testing. Allele origin: germline.
Comment: This sequence change creates a premature translational stop signal (p.Phe378Profs*60) in the MAN2B1 gene. It is expected to result in an absent or disrupted protein product. Loss-of-function variants in MAN2B1 are known to be pathogenic (PMID: 9915946, 22161967). This variant is not present in population databases (gnomAD no frequency). This variant has not been reported in the literature in individuals affected with MAN2B1-related conditions. ClinVar contains an entry for this variant (Variation ID: 2817941). For these reasons, this variant has been classified as Pathogenic.

Baylor Genetics
Classification: Likely pathogenic for Deficiency of alpha-mannosidase. Last evaluated: 2024-02-20. Review status: criteria provided, single submitter. Criteria: ACMG Guidelines, 2015. Collection method: clinical testing. Allele origin: unknown.

Literature cited by the submitters: PubMed 9915946 (cited by Labcorp Genetics (formerly Invitae), Labcorp); PubMed 22161967 (cited by Labcorp Genetics (formerly Invitae), Labcorp).

NM_000528.4(MAN2B1):c.1132_1133del (p.Phe378fs)

Gene: MAN2B1 (mannosidase alpha class 2B member 1; minus strand). Cytogenetic location: 19p13.13.
Variant type: Deletion.
Coding change: c.1132_1133del on transcript NM_000528.4 (MANE Select); coding-DNA positions 1132 to 1133, 2 bases deleted (TT; older notation c.1132_1133delTT).
Protein change: p.Phe378fs; shifts the reading frame from phenylalanine 378.
Molecular consequence: frameshift variant.
Genome position (GRCh38, 1-based): chr19:12,658,321-12,658,322, AA deleted on the plus strand (TT on the coding strand, the reverse complement: MAN2B1 is on the minus strand). VCF-style (leftmost placement, unchanged base first): chr19-12658320-GAA-G. GRCh37 (hg19) VCF-style: chr19-12769134-GAA-G.
Other names: c.1129_1130del, p.Phe377fs (NM_001173498.2); short protein forms F377fs, F378fs.
Identifiers: ClinVar variation 2817941 (VCV002817941.4), dbSNP rs2512503786, ClinGen allele CA2576635141.